The following is an entry in ClinVar:

ClinVar aggregate classification (germline): Benign. Review status: criteria provided, multiple submitters, no conflicts (2 of 4 stars). 6 submissions from 6 submitters: Benign (4). 2 of the submissions do not count toward it. Last evaluated 2026-02-02.

Conditions:
Infantile cerebral and cerebellar atrophy with postnatal progressive microcephaly (MSBA). Identifiers: Orphanet 402364, MedGen C3150921, MONDO:0013351, OMIM 613668.

Allele frequency attached by ClinVar (database versions not stated): gnomAD exomes 0.00592 and 0.01747; ExAC 0.01927; gnomAD 0.05273 and 0.05663; 1000 Genomes Project 0.05292; 1000 Genomes Project 30x 0.05387; ESP Exome Variant Server 0.05609; TOPMed 0.06029.

Submissions (6):

Labcorp Genetics (formerly Invitae), Labcorp
Classification: Benign. Last evaluated: 2026-02-02. Review status: criteria provided, single submitter. Criteria: Invitae Variant Classification Sherloc (09022015). Collection method: clinical testing. Allele origin: germline.

Mayo Clinic Laboratories, Mayo Clinic
Classification: Benign. Last evaluated: 2022-03-24. Review status: criteria provided, single submitter. Criteria: ACMG Guidelines, 2015. Collection method: clinical testing. Allele origin: germline. Observed: 8 variant alleles.

GeneDx
Classification: Benign. Last evaluated: 2018-07-07. Review status: criteria provided, single submitter. Criteria: GeneDx Variant Classification Process June 2021. Collection method: clinical testing. Allele origin: germline. Affected: yes.

Breakthrough Genomics
Classification: Benign. Review status: criteria provided, single submitter. Criteria: ACMG Guidelines, 2015. Collection method: not provided. Allele origin: germline. Inheritance: Autosomal recessive inheritance. Affected: yes.

Natera, Inc.
Classification: Benign for Postnatal progressive microcephaly with seizures and brain atrophy. Last evaluated: 2019-09-09. Review status: no assertion criteria provided. Collection method: clinical testing. Allele origin: germline. Not counted in ClinVar's aggregate classification.

Genetic Services Laboratory, University of Chicago
Classification: Likely benign for AllHighlyPenetrant. Review status: no assertion criteria provided. Collection method: clinical testing. Allele origin: germline. Inheritance: Autosomal recessive inheritance. Not counted in ClinVar's aggregate classification.
Comment: Likely benign based on allele frequency in 1000 Genomes Project or ESP global frequency and its presence in a patient with a rare or unrelated disease phenotype. NOT Sanger confirmed.

NM_004268.5(MED17):c.516C>T (p.Thr172=)

Gene: MED17 (mediator complex subunit 17; plus strand). Cytogenetic location: 11q21.
Variant type: single nucleotide variant.
Coding change: c.516C>T on transcript NM_004268.5 (MANE Select); coding-DNA position 516, C replaced by T.
Protein change: p.Thr172=; no amino-acid change (threonine 172 retained).
Molecular consequence: synonymous variant.
Genome position (GRCh38, 1-based): chr11:93,790,672, C>T. VCF-style: chr11-93790672-C-T. GRCh37 (hg19) VCF-style: chr11-93523838-C-T.
Other names: p.Thr172=.
Identifiers: ClinVar variation 129604 (VCV000129604.19), dbSNP rs7119915, ClinGen allele CA153685.